The following is an entry in ClinVar:

NM_001267536.3(GOLGA6L4):c.897G>A (p.Leu299=)

Gene: GOLGA6L4 (golgin A6 family like 4). Cytogenetic location: 15q25.2.
Variant type: single nucleotide variant.
Coding change: c.897G>A on transcript NM_001267536.3 (MANE Select); coding-DNA position 897, G replaced by A.
Protein change: p.Leu299=; no amino-acid change (leucine 299 retained).
Molecular consequence: synonymous variant.
Genome position (GRCh38, 1-based): chr15:84,240,251, G>A. VCF-style: chr15-84240251-G-A. GRCh37 (hg19) VCF-style: chr15-84909003-G-A.
Identifiers: ClinVar variation 4872439 (VCV004872439.2).
Genomic context (GRCh38, chr15:84,240,251, plus strand): 5'-TGAACAGGAGGAGAGGCTGTGTGAACAGGAGGAGAGGCTACGTGAACAGGAGGAGAGGCT[G>A]TGTGAACAGGAGGAGAGGCTACGTGAACAGGAGGAGAGGCTGTGTGAACAGGAGAAGCTG-3'
Protein context (NP_001254465.2, residues 289-309): EERLREQEER[Leu299=]CEQEERLREQ

ClinVar aggregate classification (germline): Likely benign (1 of 4 stars; one submission).

Submission:

CeGaT Center for Human Genetics Tuebingen
Classification: Likely benign. Last evaluated: 2026-04-01. Review status: criteria provided, single submitter. Criteria: CeGaT Center For Human Genetics Tuebingen Variant Classification Criteria Version 2. Collection method: clinical testing. Allele origin: germline. Affected: yes. Observed: 1 variant allele.
Comment: GOLGA6L4: BP4, BP7